The following is an entry in ClinVar:

NM_138694.4(PKHD1):c.11059C>T (p.Gln3687Ter)

Gene: PKHD1 (PKHD1 ciliary IPT domain containing fibrocystin/polyductin; minus strand). Cytogenetic location: 6p12.3.
Variant type: single nucleotide variant.
Coding change: c.11059C>T on transcript NM_138694.4 (MANE Select); coding-DNA position 11059, C replaced by T.
Protein change: p.Gln3687Ter; replaces glutamine 3687 with a stop codon.
Molecular consequence: nonsense.
Genome position (GRCh38, 1-based): chr6:51,659,067, G>A on the plus strand (C>T on the coding strand, the complement: PKHD1 is on the minus strand). VCF-style: chr6-51659067-G-A. GRCh37 (hg19) VCF-style: chr6-51523865-G-A.
Other names: c.11059C>T (NM_138694.3); short protein forms Q3687*.
Identifiers: ClinVar variation 1724962 (VCV001724962.3), dbSNP rs2533431743, ClinGen allele CA364430274.

ClinVar aggregate classification (germline): Likely pathogenic. Review status: criteria provided, multiple submitters, no conflicts (2 of 4 stars). 2 submissions from 2 submitters: Likely pathogenic (2). Last evaluated 2025-08-28.

Conditions:
Polycystic kidney disease 4 (PKD4). Also called: POLYCYSTIC KIDNEY AND HEPATIC DISEASE 1; POLYCYSTIC KIDNEY DISEASE, INFANTILE, TYPE I; POLYCYSTIC KIDNEY DISEASE 4 WITH OR WITHOUT POLYCYSTIC LIVER DISEASE; PKD3; Autosomal Recessive Polycystic Kidney Disease – PKHD1. Identifiers: MedGen C4540575, MONDO:0033004, OMIM 263200.
Autosomal recessive polycystic kidney disease (ARPKD). Also called: AR polycystic kidney disease. Identifiers: Orphanet 731, Orphanet 8378, MedGen C0085548, MeSH D017044, MONDO:0009889.

Allele frequency attached by ClinVar (database versions not stated): gnomAD exomes below 0.00001.
gnomAD v4.1: 1 of 1,613,636 alleles (0.000062%); highest among the groups gnomAD compares: Non-Finnish European, 0.000085%; no homozygotes.

Submissions (2):

Natera, Inc.
Classification: Likely pathogenic for Autosomal recessive polycystic kidney disease. Last evaluated: 2025-08-28. Review status: criteria provided, single submitter. Criteria: Natera Variant Classification Schema (03/2026). Collection method: clinical testing. Allele origin: germline.
Comment: The c.11059C>T variant in PKHD1 is a nonsense variant predicted to introduce a stop codon at amino acid 3687. This variant is expected to result in nonsense mediated decay, truncation, or a dysfunctional protein product. This variant is rare in the general population with a frequency below the threshold expected for the associated phenotype(s). Given the available evidence, this variant is classified as Likely Pathogenic.

Myriad Genetics, Inc.
Classification: Likely pathogenic for Polycystic kidney disease 4. Last evaluated: 2022-03-03. Review status: criteria provided, single submitter. Criteria: Myriad Women's Health Autosomal Recessive and X-Linked Classification Criteria (2021). Collection method: clinical testing. Allele origin: unknown.
Comment: NM_138694.3(PKHD1):c.11059C>T(Q3687*) is expected to be pathogenic in the context of autosomal recessive polycystic kidney disease, PKHD1-related. This variant is predicted to lead to an abnormal or absent protein product due to the creation of a premature termination codon in PKHD1, a gene where loss-of-function variants are known to be pathogenic. Please note: this variant was assessed in the context of healthy population screening.